The following is an entry in ClinVar:

NM_001369369.1(FOXN1):c.1431del (p.His478fs)

Gene: FOXN1 (forkhead box N1; plus strand). Cytogenetic location: 17q11.2.
Variant type: Deletion.
Coding change: c.1431del on transcript NM_001369369.1 (MANE Select); coding-DNA position 1431, one base deleted (G; older notation c.1431delG).
Protein change: p.His478fs; shifts the reading frame from histidine 478.
Molecular consequence: frameshift variant.
Genome position (GRCh38, 1-based): chr17:28,535,002, G deleted; the last of 3 consecutive G bases (chr17:28,535,000-28,535,002); deleting any one gives the same sequence. VCF-style (leftmost placement, unchanged base first): chr17-28534999-CG-C. GRCh37 (hg19) VCF-style: chr17-26862017-CG-C.
Other names: c.1431del, p.His478fs (NM_003593.3); short protein forms H478fs.
Identifiers: ClinVar variation 2016991 (VCV002016991.4), dbSNP rs2508431005, ClinGen allele CA2580093353.

ClinVar aggregate classification (germline): Pathogenic (1 of 4 stars; one submission).

Conditions:
T-cell immunodeficiency, congenital alopecia, and nail dystrophy. Also called: Congenital alopecia and nail dystrophy associated with severe functional T-cell immunodeficiency; Pignata Guarino syndrome. Identifiers: Orphanet 169095, MedGen C1866426, MONDO:0011132, OMIM 601705.

Submission:

Labcorp Genetics (formerly Invitae), Labcorp
Classification: Pathogenic for T-cell immunodeficiency, congenital alopecia, and nail dystrophy. Last evaluated: 2022-07-14. Review status: criteria provided, single submitter. Criteria: Invitae Variant Classification Sherloc (09022015). Collection method: clinical testing. Allele origin: germline.
Comment: This variant has not been reported in the literature in individuals affected with FOXN1-related conditions. This sequence change creates a premature translational stop signal (p.His478Thrfs*72) in the FOXN1 gene. While this is not anticipated to result in nonsense mediated decay, it is expected to disrupt the last 171 amino acid(s) of the FOXN1 protein. This variant is not present in population databases (gnomAD no frequency). This variant disrupts a region of the FOXN1 protein in which other variant(s) (p.Gln489Argfs*61) have been determined to be pathogenic (PMID: 31566583). This suggests that this is a clinically significant region of the protein, and that variants that disrupt it are likely to be disease-causing. For these reasons, this variant has been classified as Pathogenic.

Literature cited by the submitters: PubMed 31566583.